The following is an entry in ClinVar:

NM_003743.5(NCOA1):c.4030C>G (p.Gln1344Glu)

Gene: NCOA1 (nuclear receptor coactivator 1; plus strand). Cytogenetic location: 2p23.3.
Variant type: single nucleotide variant.
Coding change: c.4030C>G on transcript NM_003743.5 (MANE Select); coding-DNA position 4030, C replaced by G.
Protein change: p.Gln1344Glu; replaces glutamine 1344 with glutamic acid.
Molecular consequence: missense variant.
Genome position (GRCh38, 1-based): chr2:24,758,121, C>G. VCF-style: chr2-24758121-C-G. GRCh37 (hg19) VCF-style: chr2-24980990-C-G.
Other names: c.4030C>G, p.Gln1344Glu (NM_001362950.1, NM_001362952.1, NM_001362954.1 and 3 more transcripts); short protein forms Q1344E.
Identifiers: ClinVar variation 3028952 (VCV003028952.3), dbSNP rs1021839357, ClinGen allele CA43673748.
Genomic context (GRCh38, chr2:24,758,121, plus strand): 5'-GGAAATACGAATGTTCAGAACATGAACCCAATGATGGCCCAGATGCAGATGAGCTCTTTG[C>G]AGATGCCAGGAATGAACACTGTGTGCCCTGAGCAGGTAAGTGGCACACTCGCCACACACA-3'
Protein context (NP_003734.3, residues 1334-1354): MMAQMQMSSL[Gln1344Glu]MPGMNTVCPE

ClinVar aggregate classification (germline): Uncertain significance. Review status: criteria provided, single submitter (1 of 4 stars). 2 submissions from 2 submitters: Uncertain significance (1). 1 of the submissions does not count toward it. Last evaluated 2024-10-19.

Conditions:
NCOA1-related disorder. Also called: NCOA1-related condition.

Allele frequency attached by ClinVar (database versions not stated): TOPMed 0.00001; gnomAD 0.00003.
gnomAD v4.1: 5 of 1,613,952 alleles (0.00031%); highest among the groups gnomAD compares: Middle Eastern, 0.033%; no homozygotes.

Submissions (2):

Ambry Genetics
Classification: Uncertain significance. Last evaluated: 2024-10-19. Review status: criteria provided, single submitter. Criteria: Ambry Variant Classification Scheme 2023. Collection method: clinical testing. Allele origin: germline.

PreventionGenetics, part of Exact Sciences
Classification: Uncertain significance for NCOA1-related condition. Last evaluated: 2024-08-19. Review status: no assertion criteria provided. Collection method: clinical testing. Allele origin: germline. Not counted in ClinVar's aggregate classification.
Comment: The NCOA1 c.4030C>G variant is predicted to result in the amino acid substitution p.Gln1344Glu. To our knowledge, this variant has not been reported in the literature. This variant is reported in 0.0062% of alleles in individuals of African descent in gnomAD. At this time, the clinical significance of this variant is uncertain due to the absence of conclusive functional and genetic evidence.